The following is an entry in ClinVar:

NM_021813.4(BACH2):c.446G>A (p.Cys149Tyr)

Gene: BACH2 (BACH transcriptional regulator 2; minus strand). Cytogenetic location: 6q15.
Variant type: single nucleotide variant.
Coding change: c.446G>A on transcript NM_021813.4 (MANE Select); coding-DNA position 446, G replaced by A.
Protein change: p.Cys149Tyr; replaces cysteine 149 with tyrosine.
Molecular consequence: missense variant.
Genome position (GRCh38, 1-based): chr6:89,951,660, C>T on the plus strand (G>A on the coding strand, the complement: BACH2 is on the minus strand). VCF-style: chr6-89951660-C-T. GRCh37 (hg19) VCF-style: chr6-90661379-C-T.
Other names: c.446G>A, p.Cys149Tyr (NM_001170794.2); short protein forms C149Y.
Identifiers: ClinVar variation 2222231 (VCV002222231.3), dbSNP rs1415826095, ClinGen allele CA365073002.

ClinVar aggregate classification (germline): Uncertain significance. Review status: criteria provided, multiple submitters, no conflicts (2 of 4 stars). 2 submissions from 2 submitters: Uncertain significance (2). Last evaluated 2025-11-20.

Allele frequency attached by ClinVar (database versions not stated): gnomAD exomes 0.00001; TOPMed 0.00001.

Submissions (2):

Labcorp Genetics (formerly Invitae), Labcorp
Classification: Uncertain significance. Last evaluated: 2025-11-20. Review status: criteria provided, single submitter. Criteria: Invitae Variant Classification Sherloc (09022015). Collection method: clinical testing. Allele origin: germline.
Comment: This sequence change replaces cysteine, which is neutral and slightly polar, with tyrosine, which is neutral and polar, at codon 149 of the BACH2 protein (p.Cys149Tyr). This variant is present in population databases (no rsID available, gnomAD 0.009%). This variant has not been reported in the literature in individuals affected with BACH2-related conditions. ClinVar contains an entry for this variant (Variation ID: 2222231). Invitae Evidence Modeling of protein sequence and biophysical properties (such as structural, functional, and spatial information, amino acid conservation, physicochemical variation, residue mobility, and thermodynamic stability) indicates that this missense variant is not expected to disrupt BACH2 protein function with a negative predictive value of 80%. In summary, the available evidence is currently insufficient to determine the role of this variant in disease. Therefore, it has been classified as a Variant of Uncertain Significance.

Ambry Genetics
Classification: Uncertain significance. Last evaluated: 2021-11-23. Review status: criteria provided, single submitter. Criteria: Ambry Variant Classification Scheme 2023. Collection method: clinical testing. Allele origin: germline.